The following is an entry in ClinVar:

ClinVar aggregate classification (germline): Uncertain significance (1 of 4 stars; one submission).

gnomAD v4.1: 12 of 1,611,172 alleles (0.00074%); highest among the groups gnomAD compares: Non-Finnish European, 0.00093%; no homozygotes.

Submission:

GeneDx
Classification: Uncertain significance. Last evaluated: 2026-02-25. Review status: criteria provided, single submitter. Criteria: GeneDx Variant Classification Process June 2021. Collection method: clinical testing. Allele origin: germline.
Comment: Not observed at significant frequency in large population cohorts (gnomAD); In silico analysis suggests that this missense variant does not alter protein structure/function; Has not been previously published as pathogenic or benign to our knowledge

NM_022124.6(CDH23):c.9895A>G (p.Ser3299Gly)

Gene: CDH23 (cadherin related 23; plus strand). Cytogenetic location: 10q22.1.
Variant type: single nucleotide variant.
Coding change: c.9895A>G on transcript NM_022124.6 (MANE Select); coding-DNA position 9895, A replaced by G.
Protein change: p.Ser3299Gly; replaces serine 3299 with glycine.
Molecular consequence: missense variant.
Genome position (GRCh38, 1-based): chr10:71,815,108, A>G. VCF-style: chr10-71815108-A-G. GRCh37 (hg19) VCF-style: chr10-73574865-A-G.
Other names: c.3175A>G, p.Ser1059Gly (NM_001171933.1); c.3070A>G, p.Ser1024Gly (NM_001171934.1); c.586A>G, p.Ser196Gly (NM_001171935.1); c.481A>G, p.Ser161Gly (NM_001171936.1); short protein forms S161G, S3299G, S1059G, S1024G, S196G.
Identifiers: ClinVar variation 5009764 (VCV005009764.1).